The following is an entry in ClinVar:

NM_000784.4(CYP27A1):c.1005del (p.Gly336fs)

Gene: CYP27A1 (cytochrome P450 family 27 subfamily A member 1; plus strand). Cytogenetic location: 2q35.
Variant type: Deletion.
Coding change: c.1005del on transcript NM_000784.4 (MANE Select); coding-DNA position 1005, one base deleted (T; older notation c.1005delT).
Protein change: p.Gly336fs; shifts the reading frame from glycine 336.
Molecular consequence: frameshift variant.
Genome position (GRCh38, 1-based): chr2:218,813,084, T deleted. VCF-style (leftmost placement, unchanged base first): chr2-218813083-CT-C. GRCh37 (hg19) VCF-style: chr2-219677806-CT-C.
Other names: short protein forms G336fs.
Identifiers: ClinVar variation 817967 (VCV000817967.13), dbSNP rs1575206357, ClinGen allele CA915941721.

ClinVar aggregate classification (germline): Conflicting classifications of pathogenicity. Review status: criteria provided, conflicting classifications (1 of 4 stars). 6 submissions from 6 submitters: Pathogenic (2); Likely pathogenic (3); Uncertain significance (1). Last evaluated 2026-01-26.

Conditions:
Cholestanol storage disease (CTX). Also called: CTX: Cerebrotendinous xanthomatosis; Cerebrotendinous Xanthomatosis; CEREBRAL CHOLESTERINOSIS. Identifiers: Orphanet 909, MedGen C0238052, MONDO:0008948, OMIM 213700.
CYP27A1-related disorder. Also called: CYP27A1-related condition.

Allele frequency attached by ClinVar (database versions not stated): gnomAD exomes below 0.00001; TOPMed 0.00001.

Submissions (6):

Natera, Inc.
Classification: Likely pathogenic for Cerebrotendinous xanthomatosis. Last evaluated: 2026-01-26. Review status: criteria provided, single submitter. Criteria: Natera Variant Classification Schema (03/2026). Collection method: clinical testing. Allele origin: germline.
Comment: The c.1005delT variant in CYP27A1 is a frameshift variant predicted to shift the reading frame beginning at codon 336 and leads to a stop codon 9 codons downstream. This variant is expected to result in nonsense mediated decay, truncation, or a dysfunctional protein product. This variant is rare in the general population with a frequency below the threshold expected for the associated phenotype(s). Given the available evidence, this variant is classified as Likely Pathogenic.

Dasa
Classification: Uncertain significance for cerebrotendinous xanthomatosis. Last evaluated: 2025-12-11. Review status: criteria provided, single submitter. Criteria: DASA Assertion Criteria. Collection method: clinical testing. Allele origin: germline.
Comment: NM_000784.4(CYP27A1):c.1005del (p.Gly336Glufs*9) is a frameshift variant in CYP27A1 predicted to alter the reading frame and introduce a premature termination codon and is predicted to result in an absent or altered protein product. This variant is rare in population databases. The currently available literature and clinical evidence are not sufficient to establish a definitive association between this variant and the reported condition. Therefore, this variant is classified as a variant of uncertain significance.

Labcorp Genetics (formerly Invitae), Labcorp
Classification: Pathogenic for Cholestanol storage disease. Last evaluated: 2024-04-29. Review status: criteria provided, single submitter. Criteria: Invitae Variant Classification Sherloc (09022015). Collection method: clinical testing. Allele origin: germline.
Comment: This sequence change creates a premature translational stop signal (p.Gly336Glufs*9) in the CYP27A1 gene. It is expected to result in an absent or disrupted protein product. Loss-of-function variants in CYP27A1 are known to be pathogenic (PMID: 9392430, 10775536, 26937392). This variant is not present in population databases (gnomAD no frequency). This variant has not been reported in the literature in individuals affected with CYP27A1-related conditions. ClinVar contains an entry for this variant (Variation ID: 817967). For these reasons, this variant has been classified as Pathogenic.

Women's Health and Genetics/Laboratory Corporation of America, LabCorp
Classification: Pathogenic for Cholestanol storage disease. Last evaluated: 2023-08-30. Review status: criteria provided, single submitter. Criteria: LabCorp Variant Classification Summary - May 2015. Collection method: clinical testing. Allele origin: germline.
Comment: Variant summary: CYP27A1 c.1005delT (p.Gly336GlufsX9) results in a premature termination codon, predicted to cause a truncation of the encoded protein or absence of the protein due to nonsense mediated decay, which are commonly known mechanisms for disease. The variant was absent in 250090 control chromosomes. To our knowledge, no occurrence of c.1005delT in individuals affected with Cerebrotendinous Xanthomatosis and no experimental evidence demonstrating its impact on protein function have been reported. Two submitters have cited clinical-significance assessments for this variant to ClinVar after 2014. All submitters classified the variant as pathogenic/likely pathogenic. Based on the evidence outlined above, the variant was classified as pathogenic.

PreventionGenetics, part of Exact Sciences
Classification: Likely pathogenic for CYP27A1-related condition. Last evaluated: 2023-08-01. Review status: criteria provided, single submitter. Criteria: ACMG Guidelines, 2015. Collection method: clinical testing. Allele origin: germline.
Comment: The CYP27A1 c.1005delT variant is predicted to result in a frameshift and premature protein termination (p.Ala335Alafs*10). To our knowledge, this variant has not been reported in the literature or in a large population database, indicating this variant is rare. Frameshift variants in CYP27A1 are expected to be pathogenic. This variant is interpreted as likely pathogenic.

GeneDx
Classification: Likely pathogenic. Last evaluated: 2019-01-14. Review status: criteria provided, single submitter. Criteria: GeneDx Variant Classification (06012015). Collection method: clinical testing. Allele origin: germline. Affected: yes.
Comment: The c.1005delT variant has not been published as a pathogenic variant, nor has it been reported as a benign variant to our knowledge. The c.1005delT variant causes a frameshift starting with codon Glycine 336, changes this amino acid to a Glutamic acid residue and creates a premature Stop codon at position 9 of the new reading frame, denoted p.Gly336GlufsX9. This variant is predicted to cause loss of normal protein function either through protein truncation or nonsense-mediated mRNA decay. The c.1005delT variant is not observed in large population cohorts (Lek et al., 2016). Therefore, this variant is likely pathogenic; however, the possibility that it is benign cannot be excluded.

Literature cited by the submitters: PubMed 9392430 (cited by Labcorp Genetics (formerly Invitae), Labcorp); PubMed 10775536 (cited by Labcorp Genetics (formerly Invitae), Labcorp); PubMed 26937392 (cited by Labcorp Genetics (formerly Invitae), Labcorp).